The following is an entry in ClinVar:

ClinVar aggregate classification (germline): Uncertain significance (1 of 4 stars; one submission).

gnomAD v4.1: 1 of 1,614,152 alleles (0.000062%); highest among the groups gnomAD compares: South Asian, 0.0011%; no homozygotes.

Submission:

GeneDx
Classification: Uncertain significance. Last evaluated: 2025-01-31. Review status: criteria provided, single submitter. Criteria: GeneDx Variant Classification Process June 2021. Collection method: clinical testing. Allele origin: germline. Affected: yes.
Comment: Nonsense variant predicted to result in protein truncation or nonsense mediated decay in a gene for which loss of function is a known mechanism of disease; Has not been previously published as pathogenic or benign to our knowledge

NM_006386.5(DDX17):c.1522C>T (p.Arg508Ter)

Gene: DDX17 (DEAD-box helicase 17; minus strand). Cytogenetic location: 22q13.1.
Variant type: single nucleotide variant.
Coding change: c.1522C>T on transcript NM_006386.5 (MANE Select); coding-DNA position 1522, C replaced by T.
Protein change: p.Arg508Ter; replaces arginine 508 with a stop codon.
Molecular consequence: nonsense.
Genome position (GRCh38, 1-based): chr22:38,488,041, G>A on the plus strand (C>T on the coding strand, the complement: DDX17 is on the minus strand). VCF-style: chr22-38488041-G-A. GRCh37 (hg19) VCF-style: chr22-38884046-G-A.
Other names: c.1522C>T, p.Arg508Ter (NM_001098504.2); short protein forms R508*.
Identifiers: ClinVar variation 4072648 (VCV004072648.1).